The following is an entry in ClinVar:

NM_017875.4(SLC25A38):c.366C>T (p.Thr122=)

Gene: SLC25A38 (solute carrier family 25 member 38; plus strand). Cytogenetic location: 3p22.1.
Variant type: single nucleotide variant.
Coding change: c.366C>T on transcript NM_017875.4 (MANE Select); coding-DNA position 366, C replaced by T.
Protein change: p.Thr122=; no amino-acid change (threonine 122 retained).
Molecular consequence: synonymous variant.
Genome position (GRCh38, 1-based): chr3:39,391,530, C>T. VCF-style: chr3-39391530-C-T. GRCh37 (hg19) VCF-style: chr3-39433021-C-T.
Other names: c.366C>T, p.Thr122= (NM_001354798.2).
Identifiers: ClinVar variation 2082758 (VCV002082758.29), dbSNP rs141681055, ClinGen allele CA2327436.
Genomic context (GRCh38, chr3:39,391,530, plus strand): 5'-AATCTACTTTGGCACTCTCTACTCTTTGAAGCAGTATTTCTTGCGAGGCCATCCCCCAAC[C>T]GCCCTGGAGTCAGTCATGCTGGGGGTGGGCTCTCGCTCTGTTGCAGGGGTCTGTATGTCA-3'
Protein context (NP_060345.2, residues 112-132): KQYFLRGHPP[Thr122=]ALESVMLGVG

ClinVar aggregate classification (germline): Likely benign. Review status: criteria provided, multiple submitters, no conflicts (2 of 4 stars). 3 submissions from 3 submitters: Likely benign (3). Last evaluated 2025-03-01.

Allele frequency attached by ClinVar (database versions not stated): TOPMed 0.00003; gnomAD 0.00005; gnomAD exomes 0.00006; ExAC 0.00009; ESP Exome Variant Server 0.00023.
gnomAD v4.1: 95 of 1,614,098 alleles (0.0059%); highest among the groups gnomAD compares: Non-Finnish European, 0.0069%; no homozygotes.

Submissions (3):

CeGaT Center for Human Genetics Tuebingen
Classification: Likely benign. Last evaluated: 2025-03-01. Review status: criteria provided, single submitter. Criteria: CeGaT Center For Human Genetics Tuebingen Variant Classification Criteria Version 2. Collection method: clinical testing. Allele origin: germline. Affected: yes. Observed: 2 variant alleles.
Comment: SLC25A38: BP4, BP7

Labcorp Genetics (formerly Invitae), Labcorp
Classification: Likely benign. Last evaluated: 2024-11-03. Review status: criteria provided, single submitter. Criteria: Invitae Variant Classification Sherloc (09022015). Collection method: clinical testing. Allele origin: germline.

Blueprint Genetics
Classification: Likely benign. Last evaluated: 2023-11-10. Review status: criteria provided, single submitter. Criteria: ACMG Guidelines, 2015. Collection method: clinical testing. Allele origin: germline.